The following is an entry in ClinVar:

ClinVar aggregate classification (germline): Likely pathogenic (1 of 4 stars; one submission).

Conditions:
TELO2-related intellectual disability-neurodevelopmental disorder. Also called: You-Hoover-Fong syndrome. Identifiers: Orphanet 488642, MedGen C4310778, MONDO:0014848, OMIM 616954.

Submission:

Women's Health and Genetics/Laboratory Corporation of America, LabCorp
Classification: Likely pathogenic for TELO2-related intellectual disability-neurodevelopmental disorder. Last evaluated: 2024-07-01. Review status: criteria provided, single submitter. Criteria: LabCorp Variant Classification Summary - May 2015. Collection method: clinical testing. Allele origin: germline.
Comment: Variant summary: TELO2 c.2226+1G>C is located in a canonical splice-site and is predicted to affect mRNA splicing resulting in a significantly altered protein due to either exon skipping, shortening, or inclusion of intronic material. Several computational tools predict a significant impact on normal splicing: Four predict the variant abolishes a 5' splicing donor site. However, these predictions have yet to be confirmed by functional studies. The variant was absent in 231722 control chromosomes. To our knowledge, no occurrence of c.2226+1G>C in individuals affected with TELO2-Related Intellectual Disability-Neurodevelopmental Disorder and no experimental evidence demonstrating its impact on protein function have been reported. No submitters have cited clinical-significance assessments for this variant to ClinVar. Based on the evidence outlined above, the variant was classified as likely pathogenic.

NM_016111.4(TELO2):c.2226+1G>C

Gene: TELO2 (telomere maintenance 2; plus strand). Cytogenetic location: 16p13.3.
Variant type: single nucleotide variant.
Coding change: c.2226+1G>C on transcript NM_016111.4 (MANE Select); the canonical splice donor site of the intron after coding-DNA position 2226, G replaced by C.
Molecular consequence: splice donor variant.
Genome position (GRCh38, 1-based): chr16:1,507,052, G>C. VCF-style: chr16-1507052-G-C. GRCh37 (hg19) VCF-style: chr16-1557053-G-C.
Other names: c.2226+1G>C (NM_001351846.2).
Identifiers: ClinVar variation 3339225 (VCV003339225.1).